The following is an entry in ClinVar:

ClinVar aggregate classification (germline): Pathogenic. Review status: criteria provided, multiple submitters, no conflicts (2 of 4 stars). 4 submissions from 4 submitters: Pathogenic (3). 1 of the submissions does not count toward it. Last evaluated 2024-06-25.

Conditions:
AHI1-related disorder. Also called: AHI1-related condition.
Joubert syndrome 3 (JBTS3). Also called: AHI1-related Ciliopathy. Identifiers: Orphanet 220493, MedGen C1837713, MONDO:0012078, OMIM 608629.
Joubert syndrome. Also called: JOUBERT-BOLTSHAUSER SYNDROME; Familial aplasia of the vermis. Identifiers: Orphanet 475, MedGen C5979921, MONDO:0018772.

Allele frequency attached by ClinVar (database versions not stated): TOPMed 0.00001.
gnomAD v4.1: 4 of 1,602,928 alleles (0.00025%); highest among the groups gnomAD compares: Non-Finnish European, 0.00026%; no homozygotes.

Submissions (4):

Myriad Genetics, Inc.
Classification: Pathogenic for Joubert syndrome 3. Last evaluated: 2024-06-25. Review status: criteria provided, single submitter. Criteria: Myriad Autosomal Dominant, Autosomal Recessive and X-Linked Classification Criteria (2023). Collection method: clinical testing. Allele origin: unknown.
Comment: NM_001134831.1(AHI1):c.1303C>T(R435*) is expected to be pathogenic in the context of Joubert syndrome, AHI1-related. This variant is predicted to lead to an abnormal or absent protein product due to the creation of a premature termination codon in AHI1, a gene where loss-of-function variants are known to be pathogenic. Please note: this variant was assessed in the context of healthy population screening.

Blueprint Genetics
Classification: Pathogenic for AHI1-related disorders. Last evaluated: 2024-03-02. Review status: criteria provided, single submitter. Criteria: ACMG Guidelines, 2015. Collection method: clinical testing. Allele origin: germline. Affected: yes. Observed: 5 variant alleles.

Labcorp Genetics (formerly Invitae), Labcorp
Classification: Pathogenic for Joubert syndrome. Last evaluated: 2023-02-27. Review status: criteria provided, single submitter. Criteria: Invitae Variant Classification Sherloc (09022015). Collection method: clinical testing. Allele origin: germline.
Comment: For these reasons, this variant has been classified as Pathogenic. ClinVar contains an entry for this variant (Variation ID: 2011). This premature translational stop signal has been observed in individual(s) with Joubert syndrome (PMID: 15322546, 18054307). The frequency data for this variant in the population databases is considered unreliable, as metrics indicate poor data quality at this position in the gnomAD database. This sequence change creates a premature translational stop signal (p.Arg435*) in the AHI1 gene. It is expected to result in an absent or disrupted protein product. Loss-of-function variants in AHI1 are known to be pathogenic (PMID: 15322546, 16453322, 28442542, 29186038).

OMIM
Classification: Pathogenic for JOUBERT SYNDROME 3. Last evaluated: 2004-09-01. Review status: no assertion criteria provided. Collection method: literature only. Allele origin: germline. Not counted in ClinVar's aggregate classification.

Literature cited by the submitters: PubMed 15322546 (cited by Labcorp Genetics (formerly Invitae), Labcorp and OMIM); PubMed 18054307 (cited by Labcorp Genetics (formerly Invitae), Labcorp); PubMed 16453322 (cited by Labcorp Genetics (formerly Invitae), Labcorp); PubMed 28442542 (cited by Labcorp Genetics (formerly Invitae), Labcorp); PubMed 29186038 (cited by Labcorp Genetics (formerly Invitae), Labcorp).

NM_001134831.2(AHI1):c.1303C>T (p.Arg435Ter)

Gene: AHI1 (Abelson helper integration site 1; minus strand). Cytogenetic location: 6q23.3.
Variant type: single nucleotide variant.
Coding change: c.1303C>T on transcript NM_001134831.2 (MANE Select); coding-DNA position 1303, C replaced by T.
Protein change: p.Arg435Ter; replaces arginine 435 with a stop codon.
Molecular consequence: nonsense.
Genome position (GRCh38, 1-based): chr6:135,455,775, G>A on the plus strand (C>T on the coding strand, the complement: AHI1 is on the minus strand). VCF-style: chr6-135455775-G-A. GRCh37 (hg19) VCF-style: chr6-135776913-G-A.
Other names: c.1303C>T, p.Arg435Ter (NM_001134830.2, NM_001134832.2, NM_001350503.2 and 2 more transcripts); short protein forms R435*.
Identifiers: ClinVar variation 2011 (VCV000002011.6), dbSNP rs121434349, ClinGen allele CA252043.